The following is an entry in ClinVar:

NM_005744.5(ARIH1):c.234_239dup (p.Gly89_Gly90dup)

Gene: ARIH1 (ariadne RBR E3 ubiquitin protein ligase 1; plus strand). Cytogenetic location: 15q24.1.
Variant type: Duplication.
Coding change: c.234_239dup on transcript NM_005744.5 (MANE Select); coding-DNA positions 234 to 239, 6 bases duplicated (TGGCGG; older notation c.234_239dupTGGCGG).
Protein change: p.Gly89_Gly90dup.
Molecular consequence: inframe insertion.
Genome position (GRCh38, 1-based): chr15:72,474,873-72,474,878, TGGCGG duplicated; duplicating any 6 consecutive bases within chr15:72,474,868-72,474,878 gives the same sequence; the c. name uses the placement nearest the transcript's 3' end. VCF-style (leftmost placement, unchanged base first): chr15-72474867-C-CGGCGGT. GRCh37 (hg19) VCF-style: chr15-72767208-C-CGGCGGT.
Identifiers: ClinVar variation 1429470 (VCV001429470.6), dbSNP rs1014118994, ClinGen allele CA273260101.
Genomic context (GRCh38, chr15:72,474,867, plus strand): 5'-GGAGCGGGACGGACTGCTGTGCGGGGAGACGGGCGGTGGCGGCGGCAGCGCTCTGGGGCC[C>CGGCGGT]GGCGGTGGCGGCGGCGGCGGCGGCGGCGGTGGTGGTGGCGGGCCGGGGCATGAGCAGGAG-3'

ClinVar aggregate classification (germline): Uncertain significance (1 of 4 stars; one submission).

Submission:

Labcorp Genetics (formerly Invitae), Labcorp
Classification: Uncertain significance. Last evaluated: 2026-01-20. Review status: criteria provided, single submitter. Criteria: Invitae Variant Classification Sherloc (09022015). Collection method: clinical testing. Allele origin: germline.
Comment: This variant, c.234_239dup, results in the insertion of 2 amino acid(s) of the ARIH1 protein (p.Gly89_Gly90dup), but otherwise preserves the integrity of the reading frame. This variant is not present in population databases (gnomAD no frequency). This variant has not been reported in the literature in individuals affected with ARIH1-related conditions. ClinVar contains an entry for this variant (Variation ID: 1429470). Experimental studies and prediction algorithms are not available or were not evaluated, and the functional significance of this variant is currently unknown. In summary, the available evidence is currently insufficient to determine the role of this variant in disease. Therefore, it has been classified as a Variant of Uncertain Significance.